The following is an entry in ClinVar:

ClinVar aggregate classification (germline): Benign/Likely benign. Review status: criteria provided, multiple submitters, no conflicts (2 of 4 stars). 5 submissions from 5 submitters: Benign (1); Likely benign (3). 1 of the submissions does not count toward it. Last evaluated 2025-12-27.

Conditions:
CETP-related disorder. Also called: CETP-related condition.
Hyperalphalipoproteinemia 1 (HALP1). Also called: CETP-Related Hyperalphalipoproteinemia; CETP DEFICIENCY. Identifiers: MedGen C3149462, OMIM 143470.

Allele frequency attached by ClinVar (database versions not stated): 1000 Genomes Project 0.00060; 1000 Genomes Project 30x 0.00062; ExAC 0.00100; gnomAD exomes 0.00112 and 0.00138; ESP Exome Variant Server 0.00131; gnomAD 0.00133 and 0.00146; TOPMed 0.00193.
gnomAD v4.1: 2,229 of 1,614,022 alleles (0.14%); highest among the groups gnomAD compares: Admixed American, 0.34%; 3 homozygotes.

Submissions (5):

Labcorp Genetics (formerly Invitae), Labcorp
Classification: Likely benign. Last evaluated: 2025-12-27. Review status: criteria provided, single submitter. Criteria: Invitae Variant Classification Sherloc (09022015). Collection method: clinical testing. Allele origin: germline.

Mayo Clinic Laboratories, Mayo Clinic
Classification: Likely benign. Last evaluated: 2025-11-12. Review status: criteria provided, single submitter. Criteria: ACMG Guidelines, 2015. Collection method: clinical testing. Allele origin: germline. Observed: 2 variant alleles.
Comment: BS1, BS2_supporting

Illumina Laboratory Services, Illumina
Classification: Benign for Hyperalphalipoproteinemia 1. Last evaluated: 2018-01-13. Review status: criteria provided, single submitter. Criteria: ICSL Variant Classification Criteria 13 December 2019. Collection method: clinical testing. Allele origin: germline.
Comment: This variant was observed in the ICSL laboratory as part of a predisposition screen in an ostensibly healthy population. It had not been previously curated by ICSL or reported in the Human Gene Mutation Database (HGMD: prior to June 1st, 2018), and was therefore a candidate for classification through an automated scoring system. Utilizing variant allele frequency, disease prevalence and penetrance estimates, and inheritance mode, an automated score was calculated to assess if this variant is too frequent to cause the disease. Based on the score and internal cut-off values, a variant classified as benign is not then subjected to further curation. The score for this variant resulted in a classification of benign for this disease.

Breakthrough Genomics
Classification: Likely benign. Review status: criteria provided, single submitter. Criteria: ACMG Guidelines, 2015. Collection method: not provided. Allele origin: germline. Inheritance: Autosomal dominant inheritance. Affected: yes.

PreventionGenetics, part of Exact Sciences
Classification: Likely benign for CETP-related condition. Last evaluated: 2019-08-07. Review status: no assertion criteria provided. Collection method: clinical testing. Allele origin: germline. Not counted in ClinVar's aggregate classification.
Comment: This variant is classified as likely benign based on ACMG/AMP sequence variant interpretation guidelines (Richards et al. 2015 PMID: 25741868, with internal and published modifications).

NM_000078.3(CETP):c.1146+7C>T

Gene: CETP (cholesteryl ester transfer protein; plus strand). Cytogenetic location: 16q13.
Variant type: single nucleotide variant.
Coding change: c.1146+7C>T on transcript NM_000078.3 (MANE Select); 7 bases into the intron after coding-DNA position 1146, C replaced by T.
Molecular consequence: intron variant.
Genome position (GRCh38, 1-based): chr16:56,978,262, C>T. VCF-style: chr16-56978262-C-T. GRCh37 (hg19) VCF-style: chr16-57012174-C-T.
Other names: p.?; c.966+7C>T (NM_001286085.2).
Identifiers: ClinVar variation 319989 (VCV000319989.17), dbSNP rs182237338, ClinGen allele CA8071228.